The following is an entry in ClinVar:

ClinVar aggregate classification (germline): Uncertain significance. Review status: criteria provided, multiple submitters, no conflicts (2 of 4 stars). 2 submissions from 2 submitters: Uncertain significance (2). Last evaluated 2025-08-06.

Conditions:
Hereditary cancer-predisposing syndrome. Also called: Hereditary neoplastic syndrome; Neoplastic Syndromes, Hereditary; Tumor predisposition; Hereditary Cancer Syndrome. Identifiers: Orphanet 140162, MedGen C0027672, MeSH D009386, MONDO:0015356.

gnomAD v4.1: 2 of 1,503,756 alleles (0.00013%); highest among the groups gnomAD compares: Non-Finnish European, 0.00018%; no homozygotes.

Submissions (2):

Labcorp Genetics (formerly Invitae), Labcorp
Classification: Uncertain significance. Last evaluated: 2025-08-06. Review status: criteria provided, single submitter. Criteria: Invitae Variant Classification Sherloc (09022015). Collection method: clinical testing. Allele origin: germline.
Comment: This sequence change replaces arginine, which is basic and polar, with proline, which is neutral and non-polar, at codon 9 of the POLE protein (p.Arg9Pro). This variant is not present in population databases (gnomAD no frequency). This variant has not been reported in the literature in individuals affected with POLE-related conditions. Experimental studies and prediction algorithms are not available or were not evaluated, and the functional significance of this variant is currently unknown. In summary, the available evidence is currently insufficient to determine the role of this variant in disease. Therefore, it has been classified as a Variant of Uncertain Significance.

Ambry Genetics
Classification: Uncertain significance for Hereditary cancer-predisposing syndrome. Last evaluated: 2025-07-31. Review status: criteria provided, single submitter. Criteria: Ambry Variant Classification Scheme 2023. Collection method: clinical testing. Allele origin: germline.
Comment: The p.R9P variant (also known as c.26G>C), located in coding exon 1 of the POLE gene, results from a G to C substitution at nucleotide position 26. The arginine at codon 9 is replaced by proline, an amino acid with dissimilar properties. This amino acid position is conserved. In addition, this alteration is predicted to be tolerated by in silico analysis. Based on the available evidence, the clinical significance of this variant remains unclear.

NM_006231.4(POLE):c.26G>C (p.Arg9Pro)

Genes: POLE (DNA polymerase epsilon, catalytic subunit; minus strand), LOC130009266 (ATAC-STARR-seq lymphoblastoid silent region 5123; plus strand). Cytogenetic location: 12q24.33.
Variant type: single nucleotide variant.
Coding change: c.26G>C on transcript NM_006231.4 (MANE Select); coding-DNA position 26, G replaced by C.
Protein change: p.Arg9Pro; replaces arginine 9 with proline.
Molecular consequence: missense variant.
Genome position (GRCh38, 1-based): chr12:132,687,290, C>G on the plus strand (G>C on the coding strand, the complement: POLE is on the minus strand). VCF-style: chr12-132687290-C-G. GRCh37 (hg19) VCF-style: chr12-133263876-C-G.
Other names: short protein forms R9P.
Identifiers: ClinVar variation 4141087 (VCV004141087.2).